The following is an entry in ClinVar:

NM_018367.7(ACER3):c.751-5_751-2del

Gene: ACER3 (alkaline ceramidase 3; plus strand). Cytogenetic location: 11q13.5.
Variant type: Deletion.
Coding change: c.751-5_751-2del on transcript NM_018367.7 (MANE Select); 5 bases into the intron before coding-DNA position 751 through the canonical splice acceptor site of the intron before coding-DNA position 751, 4 bases deleted (AACA; older notation c.751-5_751-2delAACA).
Molecular consequence: splice acceptor variant.
Genome position (GRCh38, 1-based): chr11:77,020,269-77,020,272, AACA deleted; deleting any 4 consecutive bases within chr11:77,020,267-77,020,272 gives the same sequence; the c. name uses the placement nearest the transcript's 3' end. VCF-style (leftmost placement, unchanged base first): chr11-77020266-CCAAA-C. GRCh37 (hg19) VCF-style: chr11-76731310-CCAAA-C.
Other names: c.466-5_466-2del (NM_001300954.2, NM_001300955.2); c.640-5_640-2del (NM_001300953.2).
Identifiers: ClinVar variation 2906682 (VCV002906682.3), dbSNP rs1555024153, ClinGen allele CA600330086.

ClinVar aggregate classification (germline): Uncertain significance (1 of 4 stars; one submission).

Submission:

Labcorp Genetics (formerly Invitae), Labcorp
Classification: Uncertain significance. Last evaluated: 2023-08-23. Review status: criteria provided, single submitter. Criteria: Invitae Variant Classification Sherloc (09022015). Collection method: clinical testing. Allele origin: germline.
Comment: This sequence change falls in intron 10 of the ACER3 gene. It does not directly change the encoded amino acid sequence of the ACER3 protein. In summary, the available evidence is currently insufficient to determine the role of this variant in disease. Therefore, it has been classified as a Variant of Uncertain Significance. Experimental studies and prediction algorithms are not available or were not evaluated, and the effect of this variant on mRNA splicing is currently unknown. This variant is present in population databases (no rsID available, gnomAD 0.01%). This variant has not been reported in the literature in individuals affected with ACER3-related conditions.